The following is an entry in ClinVar:

ClinVar aggregate classification (germline): Uncertain significance (1 of 4 stars; one submission).

Conditions:
Hearing loss, autosomal recessive 57. Also called: DEAFNESS, AUTOSOMAL RECESSIVE 57. Identifiers: MedGen C4693893, MONDO:0033201, OMIM 618003.
Usher syndrome, type IIC, GPR98/PDZD7 digenic. Also called: Usher syndrome, type 2C, GPR98/PDZD7 digenic. Identifiers: MedGen C3148929.

Submission:

Labcorp Genetics (formerly Invitae), Labcorp
Classification: Uncertain significance. Last evaluated: 2022-03-23. Review status: criteria provided, single submitter. Criteria: Invitae Variant Classification Sherloc (09022015). Collection method: clinical testing. Allele origin: germline.
Comment: In summary, the available evidence is currently insufficient to determine the role of this variant in disease. Therefore, it has been classified as a Variant of Uncertain Significance. This sequence change replaces tryptophan, which is neutral and slightly polar, with arginine, which is basic and polar, at codon 750 of the PDZD7 protein (p.Trp750Arg). This variant is not present in population databases (gnomAD no frequency). This variant has not been reported in the literature in individuals affected with PDZD7-related conditions. Algorithms developed to predict the effect of missense changes on protein structure and function output the following: SIFT: "Deleterious"; PolyPhen-2: "Not Available"; Align-GVGD: "Class C0". The arginine amino acid residue is found in multiple mammalian species, which suggests that this missense change does not adversely affect protein function.

NM_001195263.2(PDZD7):c.2248T>C (p.Trp750Arg)

Gene: PDZD7 (PDZ domain containing 7; minus strand). Cytogenetic location: 10q24.31.
Variant type: single nucleotide variant.
Coding change: c.2248T>C on transcript NM_001195263.2 (MANE Select); coding-DNA position 2248, T replaced by C.
Protein change: p.Trp750Arg; replaces tryptophan 750 with arginine.
Molecular consequence: missense variant.
Genome position (GRCh38, 1-based): chr10:101,010,641, A>G on the plus strand (T>C on the coding strand, the complement: PDZD7 is on the minus strand). VCF-style: chr10-101010641-A-G. GRCh37 (hg19) VCF-style: chr10-102770398-A-G.
Other names: c.2248T>C (NM_001195263.1); short protein forms W750R.
Identifiers: ClinVar variation 1954995 (VCV001954995.6), dbSNP rs1272941623, ClinGen allele CA378224804.
Genomic context (GRCh38, chr10:101,010,641, plus strand): 5'-CCCGGCCCCGGATCTGGCTCTGCGGAGGGTGCTCTCGGCTCAGGGGTTCTGTCAGCAGCC[A>G]GTTAGGCCGCAGGGGCCGGGGAGCCACGGGGGGTAGCTGGGGAGGGGGTGTGCAGGCAAT-3'
Protein context (NP_001182192.1, residues 740-760): PVAPRPLRPN[Trp750Arg]LLTEPLSREH